The following is an entry in ClinVar:

ClinVar aggregate classification (germline): Uncertain significance (1 of 4 stars; one submission).

Conditions:
Inborn genetic diseases. Identifiers: MedGen C0950123, MeSH D030342.

Submission:

Ambry Genetics
Classification: Uncertain significance for Inborn genetic diseases. Last evaluated: 2026-04-24. Review status: criteria provided, single submitter. Criteria: Ambry Variant Classification Scheme 2023. Collection method: clinical testing. Allele origin: germline.
Comment: The p.D360V variant (also known as c.1079A>T), located in coding exon 1 of the SAMD9L gene, results from an A to T substitution at nucleotide position 1079. The aspartic acid at codon 360 is replaced by valine, an amino acid with highly dissimilar properties. This amino acid position is conserved. In addition, this alteration is predicted to be tolerated by in silico analysis. Based on the available evidence, the clinical significance of this variant remains unclear.

NM_152703.5(SAMD9L):c.1079A>T (p.Asp360Val)

Gene: SAMD9L (sterile alpha motif domain containing 9 like; minus strand). Cytogenetic location: 7q21.2.
Variant type: single nucleotide variant.
Coding change: c.1079A>T on transcript NM_152703.5 (MANE Select); coding-DNA position 1079, A replaced by T.
Protein change: p.Asp360Val; replaces aspartic acid 360 with valine.
Molecular consequence: missense variant.
Genome position (GRCh38, 1-based): chr7:93,134,893, T>A on the plus strand (A>T on the coding strand, the complement: SAMD9L is on the minus strand). VCF-style: chr7-93134893-T-A. GRCh37 (hg19) VCF-style: chr7-92764206-T-A.
Other names: c.1079A>T, p.Asp360Val (NM_001303496.3, NM_001303497.3, NM_001303498.3 and 5 more transcripts); short protein forms D360V.
Identifiers: ClinVar variation 4863963 (VCV004863963.1).